The following is an entry in ClinVar:

ClinVar aggregate classification (germline): Likely pathogenic (1 of 4 stars; one submission).

Conditions:
NOTCH2-related disorder. Also called: NOTCH2-related condition.

Submission:

PreventionGenetics, part of Exact Sciences
Classification: Likely pathogenic for NOTCH2-related condition. Last evaluated: 2026-07-17. Review status: criteria provided, single submitter. Criteria: ACMG Guidelines, 2015. Collection method: clinical testing. Allele origin: germline.
Comment: The NOTCH2 c.5782-1G>C variant is predicted to disrupt the AG splice acceptor site and interfere with normal splicing. To our knowledge, this variant has not been reported in the literature or in a large population database (gnomAD), indicating this variant is rare. Variants that disrupt the consensus splice acceptor site in NOTCH2 are expected to be pathogenic. This variant is interpreted as likely pathogenic.

NM_024408.4(NOTCH2):c.5782-1G>C

Gene: NOTCH2 (notch receptor 2; minus strand). Cytogenetic location: 1p12.
Variant type: single nucleotide variant.
Coding change: c.5782-1G>C on transcript NM_024408.4 (MANE Select); the canonical splice acceptor site of the intron before coding-DNA position 5782, G replaced by C.
Molecular consequence: splice acceptor variant.
Genome position (GRCh38, 1-based): chr1:119,918,554, C>G on the plus strand (G>C on the coding strand, the complement: NOTCH2 is on the minus strand). VCF-style: chr1-119918554-C-G. GRCh37 (hg19) VCF-style: chr1-120461177-C-G.
Identifiers: ClinVar variation 4992361 (VCV004992361.1).